The following is an entry in ClinVar:

NM_001346249.2(RALGAPA1):c.1692T>G (p.Ile564Met)

Gene: RALGAPA1 (Ral GTPase activating protein catalytic subunit alpha 1; minus strand). Cytogenetic location: 14q13.2.
Variant type: single nucleotide variant.
Coding change: c.1692T>G on transcript NM_001346249.2 (MANE Select); coding-DNA position 1692, T replaced by G.
Protein change: p.Ile564Met; replaces isoleucine 564 with methionine.
Molecular consequence: missense variant.
Genome position (GRCh38, 1-based): chr14:35,728,406, A>C on the plus strand (T>G on the coding strand, the complement: RALGAPA1 is on the minus strand). VCF-style: chr14-35728406-A-C. GRCh37 (hg19) VCF-style: chr14-36197612-A-C.
Other names: p.Ile564Met; c.1692T>G, p.Ile564Met (NM_001283043.3, NM_001283044.3, NM_001330075.3 and 7 more transcripts); short protein forms I564M.
Identifiers: ClinVar variation 3380188 (VCV003380188.1).

ClinVar aggregate classification (germline): Uncertain significance (1 of 4 stars; one submission).

gnomAD v4.1: 5 of 1,596,538 alleles (0.00031%); highest among the groups gnomAD compares: Middle Eastern, 0.088%; no homozygotes.

Submission:

Mayo Clinic Laboratories, Mayo Clinic
Classification: Uncertain significance. Last evaluated: 2023-08-07. Review status: criteria provided, single submitter. Criteria: ACMG Guidelines, 2015. Collection method: clinical testing. Allele origin: germline. Observed: 1 variant allele.
Comment: PP2, PM2_moderate